The following is an entry in ClinVar:

NM_005506.4(SCARB2):c.203A>G (p.Asn68Ser)

Gene: SCARB2 (scavenger receptor class B member 2; minus strand). Cytogenetic location: 4q21.1.
Variant type: single nucleotide variant.
Coding change: c.203A>G on transcript NM_005506.4 (MANE Select); coding-DNA position 203, A replaced by G.
Protein change: p.Asn68Ser; replaces asparagine 68 with serine.
Molecular consequence: missense variant.
Genome position (GRCh38, 1-based): chr4:76,195,779, T>C on the plus strand (A>G on the coding strand, the complement: SCARB2 is on the minus strand). VCF-style: chr4-76195779-T-C. GRCh37 (hg19) VCF-style: chr4-77116932-T-C.
Other names: c.203A>G (NM_005506.3); c.203A>G, p.Asn68Ser (NM_001204255.2); short protein forms N68S.
Identifiers: ClinVar variation 1445336 (VCV001445336.10), dbSNP rs1394046858, ClinGen allele CA357327581.

ClinVar aggregate classification (germline): Uncertain significance. Review status: criteria provided, multiple submitters, no conflicts (2 of 4 stars). 3 submissions from 3 submitters: Uncertain significance (3). Last evaluated 2024-05-22.

Conditions:
Action myoclonus-renal failure syndrome. Also called: MYOCLONUS-NEPHROPATHY SYNDROME; SCARB2-Related Action Myoclonus-Renal Failure Syndrome; EPILEPSY, PROGRESSIVE MYOCLONIC, 4, WITH RENAL FAILURE; EPILEPSY, PROGRESSIVE MYOCLONIC, 4, WITHOUT RENAL FAILURE. Identifiers: Orphanet 163696, MedGen C0751779, MeSH D020191, MONDO:0009699, OMIM 254900.
Progressive myoclonic epilepsy. Also called: Familial progressive myoclonic epilepsy; Myoclonic Epilepsies, Progressive; Progressive myoclonus epilepsy; Myoclonus epilepsy. Identifiers: Orphanet 308, Orphanet 98261, MedGen C0751778, MONDO:0020074.
Inborn genetic diseases. Identifiers: MedGen C0950123, MeSH D030342.

Allele frequency attached by ClinVar (database versions not stated): gnomAD 0.00001; gnomAD exomes 0.00001; TOPMed 0.00002.
gnomAD v4.1: 12 of 1,613,806 alleles (0.00074%); highest among the groups gnomAD compares: East Asian, 0.0022%; no homozygotes.

Submissions (3):

Fulgent Genetics
Classification: Uncertain significance for Action myoclonus-renal failure syndrome. Last evaluated: 2024-05-22. Review status: criteria provided, single submitter. Criteria: ACMG Guidelines, 2015. Collection method: clinical testing. Allele origin: germline.

Labcorp Genetics (formerly Invitae), Labcorp
Classification: Uncertain significance for Progressive myoclonic epilepsy. Last evaluated: 2023-08-10. Review status: criteria provided, single submitter. Criteria: Invitae Variant Classification Sherloc (09022015). Collection method: clinical testing. Allele origin: germline.
Comment: This sequence change replaces asparagine, which is neutral and polar, with serine, which is neutral and polar, at codon 68 of the SCARB2 protein (p.Asn68Ser). This variant is present in population databases (no rsID available, gnomAD 0.06%). This variant has not been reported in the literature in individuals affected with SCARB2-related conditions. ClinVar contains an entry for this variant (Variation ID: 1445336). Advanced modeling of protein sequence and biophysical properties (such as structural, functional, and spatial information, amino acid conservation, physicochemical variation, residue mobility, and thermodynamic stability) performed at Invitae indicates that this missense variant is not expected to disrupt SCARB2 protein function. In summary, the available evidence is currently insufficient to determine the role of this variant in disease. Therefore, it has been classified as a Variant of Uncertain Significance.

Ambry Genetics
Classification: Uncertain significance for Inborn genetic diseases. Last evaluated: 2022-11-17. Review status: criteria provided, single submitter. Criteria: Ambry Variant Classification Scheme 2023. Collection method: clinical testing. Allele origin: germline.